The following is an entry in ClinVar:

ClinVar aggregate classification (germline): Benign/Likely benign. Review status: criteria provided, multiple submitters, no conflicts (2 of 4 stars). 13 submissions from 12 submitters: Benign (8); Likely benign (5). Last evaluated 2026-02-04.

Conditions:
WFS1-Related Spectrum Disorders.
Wolfram syndrome 1 (WFS1). Identifiers: Orphanet 3463, MedGen C4551693, MONDO:0009101, OMIM 222300.
Autosomal dominant nonsyndromic hearing loss 6 (LFSNHL). Also called: DEAFNESS, AUTOSOMAL DOMINANT 6; DEAFNESS, AUTOSOMAL DOMINANT 14; DEAFNESS, AUTOSOMAL DOMINANT 38; Autosomal dominant nonsyndromic deafness 6. Identifiers: Orphanet 90635, MedGen C1833021, MONDO:0010963, OMIM 600965.

Allele frequency attached by ClinVar (database versions not stated): 1000 Genomes Project 0.01358; gnomAD 0.01386 and 0.01494; 1000 Genomes Project 30x 0.01562; TOPMed 0.01575; ESP Exome Variant Server 0.01738.
gnomAD v4.1: 4,516 of 1,604,770 alleles (0.28%); highest among the groups gnomAD compares: African/African-American, 4.8%; 106 homozygotes.

Submissions (13):

Labcorp Genetics (formerly Invitae), Labcorp
Classification: Benign. Last evaluated: 2026-02-04. Review status: criteria provided, single submitter. Criteria: Invitae Variant Classification Sherloc (09022015). Collection method: clinical testing. Allele origin: germline.

Mayo Clinic Laboratories, Mayo Clinic
Classification: Benign. Last evaluated: 2025-03-20. Review status: criteria provided, single submitter. Criteria: ACMG Guidelines, 2015. Collection method: clinical testing. Allele origin: germline. Observed: 3 variant alleles.
Comment: BA1, BS2, BP4, BP7

ARUP Laboratories, Molecular Genetics and Genomics, ARUP Laboratories
Classification: Benign. Last evaluated: 2024-07-12. Review status: criteria provided, single submitter. Criteria: ARUP Molecular Germline Variant Investigation Process 2024. Collection method: clinical testing. Allele origin: germline.

CeGaT Center for Human Genetics Tuebingen
Classification: Likely benign. Last evaluated: 2022-09-01. Review status: criteria provided, single submitter. Criteria: CeGaT Center For Human Genetics Tuebingen Variant Classification Criteria Version 2. Collection method: clinical testing. Allele origin: germline. Affected: yes. Observed: 2 variant alleles.
Comment: WFS1: BP4, BP7

Athena Diagnostics
Classification: Benign. Last evaluated: 2020-07-10. Review status: criteria provided, single submitter. Criteria: Athena Diagnostics Criteria. Collection method: clinical testing. Allele origin: unknown.

Illumina Laboratory Services, Illumina
Classification: Likely benign for WFS1-Related Spectrum Disorders. Last evaluated: 2017-04-27. Review status: criteria provided, single submitter. Criteria: ICSL Variant Classification Criteria 13 December 2019. Collection method: clinical testing. Allele origin: germline.
Comment: This variant was observed as part of a predisposition screen in an ostensibly healthy population. A literature search was performed for the gene, cDNA change, and amino acid change (where applicable). Publications were found based on this search. The evidence from the literature, in combination with allele frequency data from public databases where available, was sufficient to determine this variant is unlikely to cause disease. Therefore, this variant is classified as likely benign.

Illumina Laboratory Services, Illumina
Classification: Likely benign for Autosomal dominant nonsyndromic hearing loss 6. Last evaluated: 2017-04-27. Review status: criteria provided, single submitter. Criteria: ICSL Variant Classification Criteria 13 December 2019. Collection method: clinical testing. Allele origin: germline.
Comment: the same text as in the submission from Illumina Laboratory Services, Illumina above.

GeneDx
Classification: Benign. Last evaluated: 2013-12-26. Review status: criteria provided, single submitter. Criteria: GeneDx Variant Classification (06012015). Collection method: clinical testing. Allele origin: germline. Affected: yes.
Comment: This variant is considered likely benign or benign based on one or more of the following criteria: it is a conservative change, it occurs at a poorly conserved position in the protein, it is predicted to be benign by multiple in silico algorithms, and/or has population frequency not consistent with disease.

Genetic Services Laboratory, University of Chicago
Classification: Benign for AllHighlyPenetrant. Last evaluated: 2013-03-05. Review status: criteria provided, single submitter. Criteria: ACMG Guidelines, 2007. Collection method: clinical testing. Allele origin: germline. Inheritance: Autosomal recessive inheritance.

Laboratory for Molecular Medicine, Mass General Brigham Personalized Medicine
Classification: Benign. Last evaluated: 2012-05-07. Review status: criteria provided, single submitter. Criteria: LMM Criteria. Collection method: clinical testing. Allele origin: germline. Observed: 13 variant alleles.
Comment: "Ile823Ile in Exon 08 of WFS1: This variant is not expected to have clinical sig nificance because it does not alter an amino acid residue, is not located within the splice consensus sequence, and has been identified in 5.1% (190/3738) of Af rican American chromosomes from a broad population by the NHLBI Exome Sequencing Project (dbSNP rs1801215)."

Breakthrough Genomics
Classification: Likely benign. Review status: criteria provided, single submitter. Criteria: ACMG Guidelines, 2015. Collection method: not provided. Allele origin: germline. Inheritance: Autosomal recessive inheritance. Affected: yes.

Clinical Genomics, Uppaluri K&H Personalized Medicine Clinic
Classification: Likely benign for Wolfram syndrome 1. Review status: criteria provided, single submitter. Criteria: K & H Uppaluri Personalized Medicine Clinic Variant Classification & Assertion Criteria_Updated V.1. Collection method: research. Allele origin: unknown. Inheritance: Autosomal recessive inheritance.
Comment: Potent mutations in WFS1 gene are associated with Wolfram's syndrome, an autosomal recessive condition, which cause diabetes mellitus, diabetes insipidus, deafness and optic atrophy. However no sufficient evidence is found to ascertain the role of this particular variant rs1801215 in Wolfram's syndrome yet.

PreventionGenetics, part of Exact Sciences
Classification: Benign. Review status: criteria provided, single submitter. Criteria: ACMG Guidelines, 2015. Collection method: clinical testing. Allele origin: germline.

Literature cited by the submitters: PubMed 11317350 (cited by Illumina Laboratory Services, Illumina); PubMed 9817917 (cited by Illumina Laboratory Services, Illumina); PubMed 17492394 (cited by Illumina Laboratory Services, Illumina); PubMed 20738327 (cited by Clinical Genomics, Uppaluri K&H Personalized Medicine Clinic); PubMed 33879153 (cited by Clinical Genomics, Uppaluri K&H Personalized Medicine Clinic); PubMed 12955714 (cited by Clinical Genomics, Uppaluri K&H Personalized Medicine Clinic); PubMed 18060660 (cited by Clinical Genomics, Uppaluri K&H Personalized Medicine Clinic); PubMed 20301750 (cited by Clinical Genomics, Uppaluri K&H Personalized Medicine Clinic); PubMed 17603484 (cited by Clinical Genomics, Uppaluri K&H Personalized Medicine Clinic).

NM_006005.3(WFS1):c.2469C>T (p.Ile823=)

Gene: WFS1 (wolframin ER transmembrane glycoprotein; plus strand). Cytogenetic location: 4p16.1.
Variant type: single nucleotide variant.
Coding change: c.2469C>T on transcript NM_006005.3 (MANE Select); coding-DNA position 2469, C replaced by T.
Protein change: p.Ile823=; no amino-acid change (isoleucine 823 retained).
Molecular consequence: synonymous variant.
Genome position (GRCh38, 1-based): chr4:6,302,264, C>T. VCF-style: chr4-6302264-C-T. GRCh37 (hg19) VCF-style: chr4-6303991-C-T.
Other names: p.I823I:ATC>ATT; p.Ile823=; c.2469C>T, p.Ile823= (NM_001145853.1).
Identifiers: ClinVar variation 130751 (VCV000130751.59), dbSNP rs1801215, ClinGen allele CA289144.